The following is an entry in ClinVar:

NM_000245.4(MET):c.4078A>G (p.Lys1360Glu)

Gene: MET (MET proto-oncogene, receptor tyrosine kinase; plus strand). Cytogenetic location: 7q31.2.
Variant type: single nucleotide variant.
Coding change: c.4078A>G on transcript NM_000245.4 (MANE Select); coding-DNA position 4078, A replaced by G.
Protein change: p.Lys1360Glu; replaces lysine 1360 with glutamic acid.
Molecular consequence: missense variant.
Genome position (GRCh38, 1-based): chr7:116,796,029, A>G. VCF-style: chr7-116796029-A-G. GRCh37 (hg19) VCF-style: chr7-116436083-A-G.
Other names: c.4132A>G, p.Lys1378Glu (NM_001127500.3); c.2788A>G, p.Lys930Glu (NM_001324402.2); short protein forms K1360E, K1378E, K930E.
Identifiers: ClinVar variation 1000580 (VCV001000580.9), dbSNP rs1795661591, ClinGen allele CA369118350.

ClinVar aggregate classification (germline): Uncertain significance. Review status: criteria provided, multiple submitters, no conflicts (2 of 4 stars). 2 submissions from 2 submitters: Uncertain significance (2). Last evaluated 2024-10-10.

Conditions:
Renal cell carcinoma. Identifiers: Orphanet 217071, MedGen C0007134, MeSH D002292, MONDO:0005086, HP:0005584.
Autosomal recessive nonsyndromic hearing loss 97. Also called: Deafness, autosomal recessive 97. Identifiers: Orphanet 90636, MedGen C4084709, MONDO:0014739, OMIM 616705.

Submissions (2):

Labcorp Genetics (formerly Invitae), Labcorp
Classification: Uncertain significance for Renal cell carcinoma. Last evaluated: 2024-10-10. Review status: criteria provided, single submitter. Criteria: Invitae Variant Classification Sherloc (09022015). Collection method: clinical testing. Allele origin: germline.
Comment: This sequence change replaces lysine, which is basic and polar, with glutamic acid, which is acidic and polar, at codon 1378 of the MET protein (p.Lys1378Glu). This variant is not present in population databases (gnomAD no frequency). This variant has not been reported in the literature in individuals affected with MET-related conditions. ClinVar contains an entry for this variant (Variation ID: 1000580). Invitae Evidence Modeling of protein sequence and biophysical properties (such as structural, functional, and spatial information, amino acid conservation, physicochemical variation, residue mobility, and thermodynamic stability) indicates that this missense variant is not expected to disrupt MET protein function with a negative predictive value of 80%. In summary, the available evidence is currently insufficient to determine the role of this variant in disease. Therefore, it has been classified as a Variant of Uncertain Significance.

Baylor Genetics
Classification: Uncertain significance for Autosomal recessive nonsyndromic hearing loss 97. Last evaluated: 2023-06-23. Review status: criteria provided, single submitter. Criteria: ACMG Guidelines, 2015. Collection method: clinical testing. Allele origin: unknown.